The following is an entry in ClinVar:

ClinVar aggregate classification (germline): Uncertain significance (1 of 4 stars; one submission).

Conditions:
Medulloblastoma (MDB). Also called: MEDULLOBLASTOMA PREDISPOSITION SYNDROME; Medulloblastoma, somatic. Identifiers: Orphanet 616, MedGen C0025149, MeSH D008527, MONDO:0007959, OMIM 155255, HP:0002885.

gnomAD v4.1: 1 of 1,613,974 alleles (0.000062%); highest among the groups gnomAD compares: Non-Finnish European, 0.000085%; no homozygotes.

Submission:

St. Jude Molecular Pathology, St. Jude Children's Research Hospital
Classification: Uncertain significance for Medulloblastoma. Last evaluated: 2025-02-05. Review status: criteria provided, single submitter. Criteria: St. Jude Assertion Criteria 2020. Collection method: clinical testing. Allele origin: germline.
Comment: The ELP1 c.1819T>G (p.Cys607Gly) missense change has a maximum subpopulation frequency of 0.23% in gnomAD v2.1.1. The in silico tool REVEL is inconclusive about a pathogenic or benign effect of this variant on protein function, and functional studies have not been performed. This variant has not been reported in individuals with medulloblastoma or familial dysautonomia. In summary, the evidence currently available is insufficient to determine the clinical significance of this variant. It has therefore been classified as of uncertain significance.

NM_003640.5(ELP1):c.1819T>G (p.Cys607Gly)

Gene: ELP1 (elongator acetyltransferase complex subunit 1; minus strand). Cytogenetic location: 9q31.3.
Variant type: single nucleotide variant.
Coding change: c.1819T>G on transcript NM_003640.5 (MANE Select); coding-DNA position 1819, T replaced by G.
Protein change: p.Cys607Gly; replaces cysteine 607 with glycine.
Molecular consequence: missense variant.
Genome position (GRCh38, 1-based): chr9:108,902,874, A>C on the plus strand (T>G on the coding strand, the complement: ELP1 is on the minus strand). VCF-style: chr9-108902874-A-C. GRCh37 (hg19) VCF-style: chr9-111665154-A-C.
Other names: c.1477T>G, p.Cys493Gly (NM_001318360.2); c.772T>G, p.Cys258Gly (NM_001330749.2); short protein forms C258G, C493G, C607G.
Identifiers: ClinVar variation 3602649 (VCV003602649.1).
Genomic context (GRCh38, chr9:108,902,874, plus strand): 5'-AATTTCCTGCTCCGTGTTCACCTACCTCTTCTCCAATCATGGCCAATTCGGTCTGGGTGC[A>C]TGGATAAGGAAACCGAACAGGAAATCCACCAGAGTTCTTCCATGGTTTAATAGCCAGAGA-3'
Protein context (NP_003631.2, residues 597-617): GGFPVRFPYP[Cys607Gly]TQTELAMIGE